The following is an entry in ClinVar:

NM_000143.4(FH):c.1319C>G (p.Ala440Gly)

Gene: FH (fumarate hydratase; minus strand). Cytogenetic location: 1q43.
Variant type: single nucleotide variant.
Coding change: c.1319C>G on transcript NM_000143.4 (MANE Select); coding-DNA position 1319, C replaced by G.
Protein change: p.Ala440Gly; replaces alanine 440 with glycine.
Molecular consequence: missense variant.
Genome position (GRCh38, 1-based): chr1:241,500,508, G>C on the plus strand (C>G on the coding strand, the complement: FH is on the minus strand). VCF-style: chr1-241500508-G-C. GRCh37 (hg19) VCF-style: chr1-241663808-G-C.
Other names: short protein forms A440G.
Identifiers: ClinVar variation 2567072 (VCV002567072.3), dbSNP rs1659744632, ClinGen allele CA345436605.

ClinVar aggregate classification (germline): Uncertain significance (1 of 4 stars; one submission).

Conditions:
Hereditary cancer-predisposing syndrome. Also called: Neoplastic Syndromes, Hereditary; Tumor predisposition; Hereditary Cancer Syndrome; Hereditary neoplastic syndrome. Identifiers: Orphanet 140162, MedGen C0027672, MeSH D009386, MONDO:0015356.

Allele frequency attached by ClinVar (database versions not stated): TOPMed below 0.00001.

Submission:

Ambry Genetics
Classification: Uncertain significance for Hereditary cancer-predisposing syndrome. Last evaluated: 2026-06-10. Review status: criteria provided, single submitter. Criteria: Ambry Variant Classification Scheme 2023. Collection method: clinical testing. Allele origin: germline.
Comment: The p.A440G variant (also known as c.1319C>G), located in coding exon 9 of the FH gene, results from a C to G substitution at nucleotide position 1319. The alanine at codon 440 is replaced by glycine, an amino acid with similar properties. This amino acid position is highly conserved in available vertebrate species. In addition, this alteration is predicted to be deleterious by in silico analysis. Based on the available evidence, the clinical significance of this variant remains unclear.